The following is an entry in ClinVar:

ClinVar aggregate classification (germline): Pathogenic (1 of 4 stars; one submission).

Conditions:
Nephronophthisis. Also called: Juvenile Nephronophthisis. Identifiers: Orphanet 655, MedGen C0687120, MONDO:0019005, HP:0000090.

Submission:

Labcorp Genetics (formerly Invitae), Labcorp
Classification: Pathogenic for Nephronophthisis. Last evaluated: 2022-04-11. Review status: criteria provided, single submitter. Criteria: Invitae Variant Classification Sherloc (09022015). Collection method: clinical testing. Allele origin: germline.
Comment: This variant is not present in population databases (gnomAD no frequency). This sequence change creates a premature translational stop signal (p.Glu605Argfs*62) in the INVS gene. It is expected to result in an absent or disrupted protein product. Loss-of-function variants in INVS are known to be pathogenic (PMID: 12872123). This variant has not been reported in the literature in individuals affected with INVS-related conditions. For these reasons, this variant has been classified as Pathogenic.

Literature cited by the submitters: PubMed 12872123.

NM_014425.5(INVS):c.1812del (p.Glu605fs)

Gene: INVS (inversin; plus strand). Cytogenetic location: 9q31.1.
Variant type: Deletion.
Coding change: c.1812del on transcript NM_014425.5 (MANE Select); coding-DNA position 1812, one base deleted (A; older notation c.1812delA).
Protein change: p.Glu605fs; shifts the reading frame from glutamic acid 605.
Molecular consequence: frameshift variant. On other transcripts: non-coding transcript variant (1).
Genome position (GRCh38, 1-based): chr9:100,284,347, A deleted; the last of 4 consecutive A bases (chr9:100,284,344-100,284,347); deleting any one gives the same sequence. VCF-style (leftmost placement, unchanged base first): chr9-100284343-GA-G. GRCh37 (hg19) VCF-style: chr9-103046625-GA-G.
Other names: c.1524del, p.Glu509fs (NM_001318381.2); c.834del, p.Glu279fs (NM_001318382.2); short protein forms E279fs, E605fs, E509fs.
Identifiers: ClinVar variation 2124136 (VCV002124136.4), dbSNP rs1588145141, ClinGen allele CA466440703.